The following is an entry in ClinVar:

ClinVar aggregate classification (germline): Conflicting classifications of pathogenicity. Review status: criteria provided, conflicting classifications (1 of 4 stars). 4 submissions from 4 submitters: Uncertain significance (1); Likely benign (3). Last evaluated 2026-07-20.

Conditions:
Cardiovascular phenotype. Identifiers: MedGen CN230736.
TTN-related disorder. Also called: TTN-related disorders; TTN-related condition; TTN-related disease.
Dilated cardiomyopathy 1G (CMD1G). Identifiers: Orphanet 154, MedGen C1858763, MONDO:0011400, OMIM 604145.
Autosomal recessive limb-girdle muscular dystrophy type 2J (LGMDR10). Also called: MUSCULAR DYSTROPHY, LIMB-GIRDLE, AUTOSOMAL RECESSIVE 10; Limb-girdle muscular dystrophy, type 2J. Identifiers: Orphanet 140922, MedGen C1837342, MONDO:0012127, OMIM 608807.

Allele frequency attached by ClinVar (database versions not stated): gnomAD exomes 0.00001; ExAC 0.00002; gnomAD 0.00005 and 0.00006; TOPMed 0.00012; 1000 Genomes Project 0.00020; 1000 Genomes Project 30x 0.00031.
gnomAD v4.1: 14 of 1,560,114 alleles (0.0009%); highest among the groups gnomAD compares: Admixed American, 0.021%; no homozygotes.

Submissions (4):

PreventionGenetics, part of Exact Sciences
Classification: Likely benign for TTN-related condition. Last evaluated: 2026-07-20. Review status: criteria provided, single submitter. Criteria: ACMG Guidelines, 2015. Collection method: clinical testing. Allele origin: germline.
Comment: This variant is classified as likely benign based on ACMG/AMP sequence variant interpretation guidelines (Richards et al. 2015 PMID: 25741868, with internal and published modifications).

Labcorp Genetics (formerly Invitae), Labcorp
Classification: Likely benign for Dilated cardiomyopathy 1G; Autosomal recessive limb-girdle muscular dystrophy type 2J. Last evaluated: 2025-12-17. Review status: criteria provided, single submitter. Criteria: Invitae Variant Classification Sherloc (09022015). Collection method: clinical testing. Allele origin: germline.

Revvity Omics, Revvity
Classification: Uncertain significance. Last evaluated: 2022-09-16. Review status: criteria provided, single submitter. Criteria: ACMG Guidelines, 2015. Collection method: clinical testing. Allele origin: germline.

Ambry Genetics
Classification: Likely benign for Cardiovascular phenotype. Last evaluated: 2020-02-27. Review status: criteria provided, single submitter. Criteria: Ambry Variant Classification Scheme 2023. Collection method: clinical testing. Allele origin: germline.

NM_001267550.2(TTN):c.63132T>C (p.Ile21044=)

Genes: TTN (titin; minus strand), TTN-AS1 (TTN antisense RNA 1; plus strand). Cytogenetic location: 2q31.2.
Variant type: single nucleotide variant.
Coding change: c.63132T>C on transcript NM_001267550.2 (MANE Select); coding-DNA position 63132, T replaced by C.
Protein change: p.Ile21044=; no amino-acid change (isoleucine 21044 retained).
Molecular consequence: synonymous variant.
Genome position (GRCh38, 1-based): chr2:178,588,593, A>G on the plus strand (T>C on the coding strand, the complement: TTN is on the minus strand). VCF-style: chr2-178588593-A-G. GRCh37 (hg19) VCF-style: chr2-179453320-A-G.
Other names: c.58209T>C, p.Ile19403= (NM_001256850.1); c.35937T>C, p.Ile11979= (NM_003319.4); c.55428T>C, p.Ile18476= (NM_133378.4); c.36312T>C, p.Ile12104= (NM_133432.3); c.36513T>C, p.Ile12171= (NM_133437.4).
Identifiers: ClinVar variation 696662 (VCV000696662.16), dbSNP rs561183059, ClinGen allele CA1992144.